The following is an entry in ClinVar:

ClinVar aggregate classification (germline): Pathogenic (1 of 4 stars; one submission).

Conditions:
Very long chain acyl-CoA dehydrogenase deficiency (ACADVLD). Also called: Very Long-Chain Acyl-Coenzyme A Dehydrogenase Deficiency; VLCAD Deficiency. Identifiers: Orphanet 26793, MedGen C3887523, MONDO:0008723, OMIM 201475.

Submission:

Labcorp Genetics (formerly Invitae), Labcorp
Classification: Pathogenic for Very long chain acyl-CoA dehydrogenase deficiency. Last evaluated: 2025-07-07. Review status: criteria provided, single submitter. Criteria: Invitae Variant Classification Sherloc (09022015). Collection method: clinical testing. Allele origin: germline.
Comment: This sequence change replaces asparagine, which is neutral and polar, with lysine, which is basic and polar, at codon 306 of the ACADVL protein (p.Asn306Lys). This variant is not present in population databases (gnomAD no frequency). This missense change has been observed in individual(s) with clinical features of very long-chain acyl-CoA dehydrogenase deficiency (internal data). In at least one individual the data is consistent with being in trans (on the opposite chromosome) from a pathogenic variant. ClinVar contains an entry for this variant (Variation ID: 857573). Invitae Evidence Modeling of protein sequence and biophysical properties (such as structural, functional, and spatial information, amino acid conservation, physicochemical variation, residue mobility, and thermodynamic stability) indicates that this missense variant is expected to disrupt ACADVL protein function with a positive predictive value of 80%. For these reasons, this variant has been classified as Pathogenic.

NM_000018.4(ACADVL):c.918C>A (p.Asn306Lys)

Gene: ACADVL (acyl-CoA dehydrogenase very long chain; plus strand). Cytogenetic location: 17p13.1.
Variant type: single nucleotide variant.
Coding change: c.918C>A on transcript NM_000018.4 (MANE Select); coding-DNA position 918, C replaced by A.
Protein change: p.Asn306Lys; replaces asparagine 306 with lysine.
Molecular consequence: missense variant.
Genome position (GRCh38, 1-based): chr17:7,222,706, C>A. VCF-style: chr17-7222706-C-A. GRCh37 (hg19) VCF-style: chr17-7126025-C-A.
Other names: c.852C>A, p.Asn284Lys (NM_001033859.3); c.987C>A, p.Asn329Lys (NM_001270447.2); c.690C>A, p.Asn230Lys (NM_001270448.2); short protein forms N306K, N329K, N230K, N284K.
Identifiers: ClinVar variation 857573 (VCV000857573.9), dbSNP rs2071288883, ClinGen allele CA397723969.